The following is an entry in ClinVar:

ClinVar aggregate classification (germline): Uncertain significance. Review status: criteria provided, single submitter (1 of 4 stars). 2 submissions from 2 submitters: Uncertain significance (1). 1 of the submissions does not count toward it. Last evaluated 2022-07-19.

Conditions:
Hereditary insensitivity to pain with anhidrosis (CIPA). Also called: FAMILIAL DYSAUTONOMIA, TYPE II; NEUROPATHY, CONGENITAL SENSORY, WITH ANHIDROSIS; INSENSITIVITY TO PAIN, CONGENITAL, WITH ANHIDROSIS; hereditary sensory and autonomic neuropathy type 4; HSAN Type IV; NTRK1 Congenital Insensitivity to Pain with Anhidrosis. Identifiers: Orphanet 642, MedGen C0020074, MONDO:0009746, OMIM 256800.

Allele frequency attached by ClinVar (database versions not stated): TOPMed 0.00001.
gnomAD v4.1: 4 of 1,613,986 alleles (0.00025%); highest among the groups gnomAD compares: African/African-American, 0.0053%; no homozygotes.

Submissions (2):

Labcorp Genetics (formerly Invitae), Labcorp
Classification: Uncertain significance for Hereditary insensitivity to pain with anhidrosis. Last evaluated: 2022-07-19. Review status: criteria provided, single submitter. Criteria: Invitae Variant Classification Sherloc (09022015). Collection method: clinical testing. Allele origin: germline.
Comment: This sequence change replaces glycine, which is neutral and non-polar, with valine, which is neutral and non-polar, at codon 102 of the NTRK1 protein (p.Gly102Val). This variant is present in population databases (no rsID available, gnomAD 0.007%). This variant has not been reported in the literature in individuals affected with NTRK1-related conditions. ClinVar contains an entry for this variant (Variation ID: 939143). Advanced modeling of protein sequence and biophysical properties (such as structural, functional, and spatial information, amino acid conservation, physicochemical variation, residue mobility, and thermodynamic stability) performed at Invitae indicates that this missense variant is not expected to disrupt NTRK1 protein function. In summary, the available evidence is currently insufficient to determine the role of this variant in disease. Therefore, it has been classified as a Variant of Uncertain Significance.

Natera, Inc.
Classification: Uncertain significance for Hereditary insensitivity to pain with anhidrosis. Last evaluated: 2021-03-18. Review status: no assertion criteria provided. Collection method: clinical testing. Allele origin: germline. Not counted in ClinVar's aggregate classification.

NM_002529.4(NTRK1):c.305G>T (p.Gly102Val)

Gene: NTRK1 (neurotrophic receptor tyrosine kinase 1; plus strand). Cytogenetic location: 1q23.1.
Variant type: single nucleotide variant.
Coding change: c.305G>T on transcript NM_002529.4 (MANE Select); coding-DNA position 305, G replaced by T.
Protein change: p.Gly102Val; replaces glycine 102 with valine.
Molecular consequence: missense variant.
Genome position (GRCh38, 1-based): chr1:156,864,745, G>T. VCF-style: chr1-156864745-G-T. GRCh37 (hg19) VCF-style: chr1-156834537-G-T.
Other names: c.215G>T, p.Gly72Val (NM_001007792.1); c.305G>T, p.Gly102Val (NM_001012331.2); short protein forms G72V, G102V.
Identifiers: ClinVar variation 939143 (VCV000939143.10), dbSNP rs374170641, ClinGen allele CA342932569.
Genomic context (GRCh38, chr1:156,864,745, plus strand): 5'-GTAGCTGAGACCTGGGGACTGATCCTCCTGCACCCCTCCCCAGCACCATCGTGAAGAGTG[G>T]TCTCCGTTTCGTGGCGCCAGATGCCTTCCATTTCACTCCTCGGCTCAGTCGCCTGTGAGT-3'
Protein context (NP_002520.2, residues 92-112): ELRNLTIVKS[Gly102Val]LRFVAPDAFH